The following is an entry in ClinVar:

NM_002107.7(H3-3A):c.248T>G (p.Leu83Arg)

Gene: H3-3A (H3.3 histone A; plus strand). Cytogenetic location: 1q42.12.
Variant type: single nucleotide variant.
Coding change: c.248T>G on transcript NM_002107.7 (MANE Select); coding-DNA position 248, T replaced by G.
Protein change: p.Leu83Arg; replaces leucine 83 with arginine.
Molecular consequence: missense variant.
Genome position (GRCh38, 1-based): chr1:226,065,775, T>G. VCF-style: chr1-226065775-T-G. GRCh37 (hg19) VCF-style: chr1-226253476-T-G.
Other names: c.248T>G, p.Leu83Arg (NM_001379043.1, NM_001379045.1, NM_001379046.1 and 1 more transcripts); short protein forms L83R.
Identifiers: ClinVar variation 1800818 (VCV001800818.1), dbSNP rs2527640991, ClinGen allele CA345017481.

ClinVar aggregate classification (germline): Uncertain significance (1 of 4 stars; one submission).

Submission:

GeneDx
Classification: Uncertain significance. Last evaluated: 2022-05-23. Review status: criteria provided, single submitter. Criteria: GeneDx Variant Classification Process June 2021. Collection method: clinical testing. Allele origin: germline. Affected: yes.
Comment: Not observed at significant frequency in large population cohorts (gnomAD); In silico analysis supports that this missense variant has a deleterious effect on protein structure/function; Has not been previously published as pathogenic or benign to our knowledge